The following is an entry in ClinVar:

NM_000222.3(KIT):c.2546A>G (p.Glu849Gly)

Gene: KIT (KIT proto-oncogene, receptor tyrosine kinase; plus strand). Cytogenetic location: 4q12.
Variant type: single nucleotide variant.
Coding change: c.2546A>G on transcript NM_000222.3 (MANE Select); coding-DNA position 2546, A replaced by G.
Protein change: p.Glu849Gly; replaces glutamic acid 849 with glycine.
Molecular consequence: missense variant.
Genome position (GRCh38, 1-based): chr4:54,736,559, A>G. VCF-style: chr4-54736559-A-G. GRCh37 (hg19) VCF-style: chr4-55602725-A-G.
Other names: c.2534A>G, p.Glu845Gly (NM_001093772.2, NM_001385292.1); c.2549A>G, p.Glu850Gly (NM_001385284.1); c.2543A>G, p.Glu848Gly (NM_001385285.1); c.2531A>G, p.Glu844Gly (NM_001385286.1); c.2537A>G, p.Glu846Gly (NM_001385288.1); c.2546A>G, p.Glu849Gly (NM_001385290.1); short protein forms E844G, E845G, E846G, E848G, E849G, E850G.
Identifiers: ClinVar variation 1003941 (VCV001003941.9), dbSNP rs763847901, ClinGen allele CA356913226.

ClinVar aggregate classification (germline): Uncertain significance (1 of 4 stars; one submission).

Conditions:
Gastrointestinal stromal tumor. Also called: Gastrointestinal stromal tumor, somatic; Gastrointestinal stroma tumor. Identifiers: Orphanet 44890, MedGen C0238198, MeSH D046152, MONDO:0011719, OMIM 606764, HP:0100723.

gnomAD v4.1: 1 of 1,614,166 alleles (0.000062%); highest among the groups gnomAD compares: East Asian, 0.0022%; no homozygotes.

Submission:

Labcorp Genetics (formerly Invitae), Labcorp
Classification: Uncertain significance for Gastrointestinal stromal tumor. Last evaluated: 2020-08-26. Review status: criteria provided, single submitter. Criteria: Invitae Variant Classification Sherloc (09022015). Collection method: clinical testing. Allele origin: germline.
Comment: This variant is not present in population databases (ExAC no frequency). This sequence change replaces glutamic acid with glycine at codon 849 of the KIT protein (p.Glu849Gly). The glutamic acid residue is highly conserved and there is a moderate physicochemical difference between glutamic acid and glycine. This variant has not been reported in the literature in individuals with KIT-related conditions. In summary, the available evidence is currently insufficient to determine the role of this variant in disease. Therefore, it has been classified as a Variant of Uncertain Significance. Algorithms developed to predict the effect of missense changes on protein structure and function (SIFT, PolyPhen-2, Align-GVGD) all suggest that this variant is likely to be disruptive, but these predictions have not been confirmed by published functional studies and their clinical significance is uncertain.